The following is an entry in ClinVar:

NM_018685.5(ANLN):c.3359C>T (p.Pro1120Leu)

Gene: ANLN (anillin, actin binding protein; plus strand). Cytogenetic location: 7p14.2.
Variant type: single nucleotide variant.
Coding change: c.3359C>T on transcript NM_018685.5 (MANE Select); coding-DNA position 3359, C replaced by T.
Protein change: p.Pro1120Leu; replaces proline 1120 with leucine.
Molecular consequence: missense variant.
Genome position (GRCh38, 1-based): chr7:36,452,584, C>T. VCF-style: chr7-36452584-C-T. GRCh37 (hg19) VCF-style: chr7-36492193-C-T.
Other names: c.3248C>T, p.Pro1083Leu (NM_001284301.3); c.3245C>T, p.Pro1082Leu (NM_001284302.3); short protein forms P1083L, P1120L, P1082L.
Identifiers: ClinVar variation 4700376 (VCV004700376.1).

ClinVar aggregate classification (germline): Uncertain significance (1 of 4 stars; one submission).

gnomAD v4.1: 4 of 1,614,012 alleles (0.00025%); highest among the groups gnomAD compares: East Asian, 0.0089%; no homozygotes.

Submission:

Labcorp Genetics (formerly Invitae), Labcorp
Classification: Uncertain significance. Last evaluated: 2025-12-02. Review status: criteria provided, single submitter. Criteria: Invitae Variant Classification Sherloc (09022015). Collection method: clinical testing. Allele origin: germline.
Comment: This sequence change replaces proline, which is neutral and non-polar, with leucine, which is neutral and non-polar, at codon 1120 of the ANLN protein (p.Pro1120Leu). This variant is present in population databases (no rsID available, gnomAD 0.02%). This variant has not been reported in the literature in individuals affected with ANLN-related conditions. An algorithm developed to predict the effect of missense changes on protein structure and function (PolyPhen-2) suggests that this variant is likely to be disruptive. In summary, the available evidence is currently insufficient to determine the role of this variant in disease. Therefore, it has been classified as a Variant of Uncertain Significance.